The following is an entry in ClinVar:

ClinVar aggregate classification (germline): Pathogenic (1 of 4 stars; one submission).

Conditions:
Fabry disease. Also called: ALPHA-GALACTOSIDASE A DEFICIENCY; ANDERSON-FABRY DISEASE; CERAMIDE TRIHEXOSIDASE DEFICIENCY; GLA DEFICIENCY; HEREDITARY DYSTOPIC LIPIDOSIS; Angiokeratoma corporis diffusum. Identifiers: Orphanet 324, MedGen C0002986, MONDO:0010526, OMIM 301500, HP:0001071. Disease mechanism: Fabry disease is due to inactivating mutations in the X-linked GLA gene resulting in deficiency of the enzyme Alpha Galactosidase-A., loss of function.

Submission:

Genomenon, Inc
Classification: Pathogenic for Fabry disease. Last evaluated: 2026-09-08. Review status: criteria provided, single submitter. Criteria: Genomenon Sequence Variant Interpretation Standards - Updated. Collection method: curation. Allele origin: germline. Affected: yes.
Comment: GLA p.Trp262Cys (c.786G>C) is a missense variant that changes the amino acid at codon 262 from Tryptophan to Cysteine. This variant has been observed in at least one proband with clinical features consistent with Fabry disease (PMID:23935525). At least one functional study has demonstrated a substantial alteration in protein function relative to the wild-type (PMID:32023956;23935525;27657681). This variant is located in a mutational hotspot and/or important functional domain. It is absent or not present at a significant frequency in gnomAD. In silico models predict that this variant is possibly or probably damaging. In conclusion, we classify GLA p.Trp262Cys (c.786G>C) as a pathogenic variant.

Literature cited by the submitters: PubMed 23935525; PubMed 32023956; PubMed 27657681.

NM_000169.3(GLA):c.786G>C (p.Trp262Cys)

Genes: GLA (galactosidase alpha; minus strand), RPL36A-HNRNPH2 (RPL36A-HNRNPH2 readthrough; plus strand). Cytogenetic location: Xq22.1.
Variant type: single nucleotide variant.
Coding change: c.786G>C on transcript NM_000169.3 (MANE Select); coding-DNA position 786, G replaced by C.
Protein change: p.Trp262Cys; replaces tryptophan 262 with cysteine.
Molecular consequence: missense variant. On other transcripts: non-coding transcript variant (3), intron variant (2).
Genome position (GRCh38, 1-based): chrX:101,398,800, C>G on the plus strand (G>C on the coding strand, the complement: GLA is on the minus strand). VCF-style: chrX-101398800-C-G. GRCh37 (hg19) VCF-style: chrX-100653788-C-G.
Other names: c.909G>C, p.Trp303Cys (NM_001406747.1); c.786G>C, p.Trp262Cys (NM_001406748.1); c.300+3343C>G (NM_001199973.2); c.177+6978C>G (NM_001199974.2); short protein forms W262C, W303C.
Identifiers: ClinVar variation 4087511 (VCV004087511.2), dbSNP rs869312403.
Genomic context (GRCh38, chrX:101,398,800, plus strand): 5'-CAAGCCTACCGCAGGGTCTTGAACAAGGAGGGCTCAAGTTTTTACCATATCTGGGTCATT[C>G]CAACCCCCTGGTCCAGCAACATCAACAATTCTCTCCTGGTTAAAAGATGTCCAGTCCAAG-3'
Protein context (NP_000160.1, residues 252-272): RIVDVAGPGG[Trp262Cys]NDPDMLVIGN